The following is an entry in ClinVar:

ClinVar aggregate classification (germline): Likely benign (1 of 4 stars; one submission).

Allele frequency attached by ClinVar (database versions not stated): gnomAD 0.00023 and 0.00024; TOPMed 0.00037; 1000 Genomes Project 30x 0.00078; 1000 Genomes Project 0.00080.

Submission:

GeneDx
Classification: Likely benign. Last evaluated: 2016-08-31. Review status: criteria provided, single submitter. Criteria: GeneDx Variant Classification (06012015). Collection method: clinical testing. Allele origin: germline. Affected: yes.
Comment: This variant is considered likely benign or benign based on one or more of the following criteria: it is a conservative change, it occurs at a poorly conserved position in the protein, it is predicted to be benign by multiple in silico algorithms, and/or has population frequency not consistent with disease.

NM_016077.5(PTRH2):c.-17G>A

Gene: PTRH2 (peptidyl-tRNA hydrolase 2; minus strand). Cytogenetic location: 17q23.1.
Variant type: single nucleotide variant.
Coding change: c.-17G>A on transcript NM_016077.5 (MANE Select); 17 bases upstream of the start codon, G replaced by A.
Molecular consequence: 5 prime UTR variant.
Genome position (GRCh38, 1-based): chr17:59,707,387, C>T on the plus strand (G>A on the coding strand, the complement: PTRH2 is on the minus strand). VCF-style: chr17-59707387-C-T. GRCh37 (hg19) VCF-style: chr17-57784748-C-T.
Other names: c.-1333G>A (NM_001015509.3).
Identifiers: ClinVar variation 388648 (VCV000388648.1), dbSNP rs563049020, ClinGen allele CA16607402.